The following is an entry in ClinVar:

ClinVar aggregate classification (germline): Uncertain significance (1 of 4 stars; one submission).

Conditions:
NKX2-5-related disorder. Also called: NKX2-5-related condition.

Submission:

PreventionGenetics, part of Exact Sciences
Classification: Uncertain significance for NKX2-5-related condition. Last evaluated: 2026-07-27. Review status: criteria provided, single submitter. Criteria: ACMG Guidelines, 2015. Collection method: clinical testing. Allele origin: germline.
Comment: The NKX2-5 c.422C>T variant is predicted to result in the amino acid substitution p.Pro141Leu. To our knowledge, this variant has not been reported in the literature or in a large population database (gnomAD), indicating this variant is rare. At this time, the clinical significance of this variant is uncertain due to the absence of conclusive functional and genetic evidence.

NM_004387.4(NKX2-5):c.422C>T (p.Pro141Leu)

Gene: NKX2-5 (NK2 homeobox 5; minus strand). Cytogenetic location: 5q35.1.
Variant type: single nucleotide variant.
Coding change: c.422C>T on transcript NM_004387.4 (MANE Select); coding-DNA position 422, C replaced by T.
Protein change: p.Pro141Leu; replaces proline 141 with leucine.
Molecular consequence: missense variant. On other transcripts: 3 prime UTR variant (2).
Genome position (GRCh38, 1-based): chr5:173,233,122, G>A on the plus strand (C>T on the coding strand, the complement: NKX2-5 is on the minus strand). VCF-style: chr5-173233122-G-A. GRCh37 (hg19) VCF-style: chr5-172660125-G-A.
Other names: c.*375C>T (NM_001166175.2); c.*221C>T (NM_001166176.2); short protein forms P141L.
Identifiers: ClinVar variation 4987220 (VCV004987220.1).
Genomic context (GRCh38, chr5:173,233,122, plus strand): 5'-CGCTGCTGCTTGAAGCGCCGCTCCAGCTCATAGACCTGCGCCTGCGAGAAGAGCACGCGC[G>A]GCTTCCTCCGCCGTCGCGCCCGGGGCCGCTCCGCGTTGTCCGCCTCTGTCTTCTCCAGCT-3'
Protein context (NP_004378.1, residues 131-151): ERPRARRRRK[Pro141Leu]RVLFSQAQVY